The following is an entry in ClinVar:

NM_001130965.3(SUN1):c.1732G>A (p.Val578Met)

Gene: SUN1 (Sad1 and UNC84 domain containing 1; plus strand). Cytogenetic location: 7p22.3.
Variant type: single nucleotide variant.
Coding change: c.1732G>A on transcript NM_001130965.3 (MANE Select); coding-DNA position 1732, G replaced by A.
Protein change: p.Val578Met; replaces valine 578 with methionine.
Molecular consequence: missense variant. On other transcripts: non-coding transcript variant (3).
Genome position (GRCh38, 1-based): chr7:860,335, G>A. VCF-style: chr7-860335-G-A. GRCh37 (hg19) VCF-style: chr7-899972-G-A.
Other names: c.1732G>A (NM_001130965.2); c.1777G>A, p.Val593Met (NM_001367649.1); c.2146G>A, p.Val716Met (NM_001367651.1); c.1732G>A, p.Val578Met (NM_001367653.1, NM_001367633.1, NM_001367634.1); c.1942G>A, p.Val648Met (NM_001367655.1, NM_001367700.1); c.1018G>A, p.Val340Met (NM_001367658.1); c.1549G>A, p.Val517Met (NM_001367660.1); c.1579G>A, p.Val527Met (NM_001367662.1, NM_001367671.1); and 44 more; short protein forms V340M, V389M, V425M, V461M, V475M, V495M, V517M, V522M.
Identifiers: ClinVar variation 1059215 (VCV001059215.10), dbSNP rs201804636, ClinGen allele CA4112339.

ClinVar aggregate classification (germline): Uncertain significance. Review status: criteria provided, multiple submitters, no conflicts (2 of 4 stars). 2 submissions from 2 submitters: Uncertain significance (2). Last evaluated 2024-09-30.

Conditions:
Emery-Dreifuss muscular dystrophy (EDMD). Also called: Scapuloperoneal syndrome, X-linked (formerly); Humeroperoneal neuromuscular disease, (formerly). Identifiers: Orphanet 261, MedGen C0410189, MONDO:0016830.

gnomAD v4.1: 15 of 1,614,094 alleles (0.00093%); highest among the groups gnomAD compares: East Asian, 0.0022%; no homozygotes.

Submissions (2):

Labcorp Genetics (formerly Invitae), Labcorp
Classification: Uncertain significance for Emery-Dreifuss muscular dystrophy. Last evaluated: 2024-09-30. Review status: criteria provided, single submitter. Criteria: Invitae Variant Classification Sherloc (09022015). Collection method: clinical testing. Allele origin: germline.
Comment: This sequence change replaces valine, which is neutral and non-polar, with methionine, which is neutral and non-polar, at codon 578 of the SUN1 protein (p.Val578Met). This variant is present in population databases (rs201804636, gnomAD 0.003%). This variant has not been reported in the literature in individuals affected with SUN1-related conditions. ClinVar contains an entry for this variant (Variation ID: 1059215). An algorithm developed to predict the effect of missense changes on protein structure and function (PolyPhen-2) suggests that this variant is likely to be tolerated. In summary, the available evidence is currently insufficient to determine the role of this variant in disease. Therefore, it has been classified as a Variant of Uncertain Significance.

Ambry Genetics
Classification: Uncertain significance. Last evaluated: 2022-06-27. Review status: criteria provided, single submitter. Criteria: Ambry Variant Classification Scheme 2023. Collection method: clinical testing. Allele origin: germline.